The following is an entry in ClinVar:

ClinVar aggregate classification (germline): Uncertain significance (1 of 4 stars; one submission).

Conditions:
PLXNA3-related disorder. Also called: PLXNA3-related condition.

gnomAD v4.1: 4 of 1,208,000 alleles (0.00033%); highest among the groups gnomAD compares: Non-Finnish European, 0.00045%; no homozygotes.

Submission:

PreventionGenetics, part of Exact Sciences
Classification: Uncertain significance for PLXNA3-related condition. Last evaluated: 2026-03-25. Review status: criteria provided, single submitter. Criteria: ACMG Guidelines, 2015. Collection method: clinical testing. Allele origin: germline.
Comment: The PLXNA3 c.1808G>C variant is predicted to result in the amino acid substitution p.Arg603Pro. To our knowledge, this variant has not been reported in the literature or in a large population database (gnomAD), indicating this variant is rare. At this time, the clinical significance of this variant is uncertain due to the absence of conclusive functional and genetic evidence.

NM_017514.5(PLXNA3):c.1808G>C (p.Arg603Pro)

Gene: PLXNA3 (plexin A3; plus strand). Cytogenetic location: Xq28.
Variant type: single nucleotide variant.
Coding change: c.1808G>C on transcript NM_017514.5 (MANE Select); coding-DNA position 1808, G replaced by C.
Protein change: p.Arg603Pro; replaces arginine 603 with proline.
Molecular consequence: missense variant.
Genome position (GRCh38, 1-based): chrX:154,464,293, G>C. VCF-style: chrX-154464293-G-C. GRCh37 (hg19) VCF-style: chrX-153692636-G-C.
Other names: short protein forms R603P.
Identifiers: ClinVar variation 4986823 (VCV004986823.1).